The following is an entry in ClinVar:

ClinVar aggregate classification (germline): Uncertain significance (1 of 4 stars; one submission).

Submission:

Labcorp Genetics (formerly Invitae), Labcorp
Classification: Uncertain significance. Last evaluated: 2022-11-30. Review status: criteria provided, single submitter. Criteria: Invitae Variant Classification Sherloc (09022015). Collection method: clinical testing. Allele origin: germline.
Comment: Advanced modeling of protein sequence and biophysical properties (such as structural, functional, and spatial information, amino acid conservation, physicochemical variation, residue mobility, and thermodynamic stability) performed at Invitae indicates that this missense variant is not expected to disrupt SCN3A protein function. This variant has not been reported in the literature in individuals affected with SCN3A-related conditions. This variant is not present in population databases (gnomAD no frequency). This sequence change replaces serine, which is neutral and polar, with threonine, which is neutral and polar, at codon 492 of the SCN3A protein (p.Ser492Thr). In summary, the available evidence is currently insufficient to determine the role of this variant in disease. Therefore, it has been classified as a Variant of Uncertain Significance.

NM_006922.4(SCN3A):c.1475G>C (p.Ser492Thr)

Gene: SCN3A (sodium voltage-gated channel alpha subunit 3; minus strand). Cytogenetic location: 2q24.3.
Variant type: single nucleotide variant.
Coding change: c.1475G>C on transcript NM_006922.4 (MANE Select); coding-DNA position 1475, G replaced by C.
Protein change: p.Ser492Thr; replaces serine 492 with threonine.
Molecular consequence: missense variant.
Genome position (GRCh38, 1-based): chr2:165,146,935, C>G on the plus strand (G>C on the coding strand, the complement: SCN3A is on the minus strand). VCF-style: chr2-165146935-C-G. GRCh37 (hg19) VCF-style: chr2-166003445-C-G.
Other names: c.1475G>C, p.Ser492Thr (NM_001081676.2, NM_001081677.2); short protein forms S492T.
Identifiers: ClinVar variation 2817642 (VCV002817642.3), dbSNP rs2468363561, ClinGen allele CA349236681.